The following is an entry in ClinVar:

ClinVar aggregate classification (germline): Pathogenic. Review status: criteria provided, multiple submitters, no conflicts (2 of 4 stars). 2 submissions from 2 submitters: Pathogenic (2). Last evaluated 2025-06-05.

Conditions:
Hereditary cancer-predisposing syndrome. Also called: Hereditary Cancer Syndrome; Hereditary neoplastic syndrome; Neoplastic Syndromes, Hereditary; Tumor predisposition. Identifiers: Orphanet 140162, MedGen C0027672, MeSH D009386, MONDO:0015356.
BAP1-related tumor predisposition syndrome (TPDS1). Also called: Tumor susceptibility linked to germline BAP1 mutations; COMMON Syndrome; TUMOR PREDISPOSITION SYNDROME 1; BAP1 tumor predisposition syndrome. Identifiers: Orphanet 289539, MedGen C3280492, MONDO:0013692, OMIM 614327.

Submissions (2):

Labcorp Genetics (formerly Invitae), Labcorp
Classification: Pathogenic for BAP1-related tumor predisposition syndrome. Last evaluated: 2025-06-05. Review status: criteria provided, single submitter. Criteria: Invitae Variant Classification Sherloc (09022015). Collection method: clinical testing. Allele origin: germline.
Comment: This sequence change creates a premature translational stop signal (p.Val209Glyfs*34) in the BAP1 gene. It is expected to result in an absent or disrupted protein product. Loss-of-function variants in BAP1 are known to be pathogenic (PMID: 21874000, 23684012). This variant is not present in population databases (gnomAD no frequency). This variant has not been reported in the literature in individuals affected with BAP1-related conditions. ClinVar contains an entry for this variant (Variation ID: 1752488). For these reasons, this variant has been classified as Pathogenic.

Ambry Genetics
Classification: Pathogenic for Hereditary cancer-predisposing syndrome. Last evaluated: 2024-09-24. Review status: criteria provided, single submitter. Criteria: Ambry Variant Classification Scheme 2023. Collection method: clinical testing. Allele origin: germline.
Comment: The c.625dupG pathogenic mutation, located in coding exon 8 of the BAP1 gene, results from a duplication of G at nucleotide position 625, causing a translational frameshift with a predicted alternate stop codon (p.V209Gfs*34). This alteration has been has been reported in the germline and tumor of an individual with esophagogastric adenocarcinoma (Schrader KA et al. JAMA Oncol, 2016 Jan;2:104-11). This variant is considered to be rare based on population cohorts in the Genome Aggregation Database (gnomAD). In addition to the clinical data presented in the literature, this alteration is expected to result in loss of function by premature protein truncation or nonsense-mediated mRNA decay. As such, this alteration is interpreted as a disease-causing mutation.

Literature cited by the submitters: PubMed 21874000 (cited by Labcorp Genetics (formerly Invitae), Labcorp); PubMed 23684012 (cited by Labcorp Genetics (formerly Invitae), Labcorp); PubMed 26556299 (cited by Ambry Genetics).

NM_004656.4(BAP1):c.625dup (p.Val209fs)

Gene: BAP1 (BRCA1 associated deubiquitinase 1; minus strand). Cytogenetic location: 3p21.1.
Variant type: Duplication.
Coding change: c.625dup on transcript NM_004656.4 (MANE Select); coding-DNA position 625, one base duplicated (G; older notation c.625dupG).
Protein change: p.Val209fs; shifts the reading frame from valine 209.
Molecular consequence: frameshift variant.
Genome position (GRCh38, 1-based): chr3:52,406,863, C duplicated on the plus strand (G on the coding strand, the reverse complement: BAP1 is on the minus strand); the first of 3 consecutive C bases (chr3:52,406,863-52,406,865); duplicating any one gives the same sequence. VCF-style (leftmost placement, unchanged base first): chr3-52406862-A-AC. GRCh37 (hg19) VCF-style: chr3-52440878-A-AC.
Other names: c.623dup, p.Val209Glyfs (NM_001410772.1); c.625dupG (NM_004656.2); short protein forms V209fs.
Identifiers: ClinVar variation 1752488 (VCV001752488.6), dbSNP rs1705177318, ClinGen allele CA1364842417.